The following is an entry in ClinVar:

ClinVar aggregate classification (germline): Likely pathogenic (1 of 4 stars; one submission).

Conditions:
Arthrogryposis, distal, type 1A. Also called: ARTHROGRYPOSIS MULTIPLEX CONGENITA, DISTAL, TYPE I. Identifiers: Orphanet 1146, MedGen C6022280, MONDO:0007157, OMIM 108120.

Submission:

Labcorp Genetics (formerly Invitae), Labcorp
Classification: Likely pathogenic for Arthrogryposis, distal, type 1A. Last evaluated: 2019-05-09. Review status: criteria provided, single submitter. Criteria: Invitae Variant Classification Sherloc (09022015). Collection method: clinical testing. Allele origin: germline.
Comment: This variant has not been reported in the literature in individuals with TPM2-related disease. However, family studies have indicated that this variant was not present in the parents of an individual affected with nemaline myopathy, which suggests that it was de novo in that affected individual (Invitae). In summary, the currently available evidence indicates that the variant is pathogenic, but additional data are needed to prove that conclusively. Therefore, this variant has been classified as Likely Pathogenic. Experimental studies and prediction algorithms are not available for this variant, and the functional significance of the deleted amino acids is currently unknown. This variant is not present in population databases (ExAC no frequency). This variant, c.363_365delTGA, results in the deletion of 1 amino acids of the TPM2 protein (p.Asp121del), but otherwise preserves the integrity of the reading frame.

NM_003289.4(TPM2):c.360TGA[1] (p.Asp121del)

Gene: TPM2 (tropomyosin 2; minus strand). Cytogenetic location: 9p13.3.
Variant type: Microsatellite.
Coding change: c.360TGA[1] on transcript NM_003289.4 (MANE Select); one copy of the 3-base unit TGA starting at c.360; the reference has two copies in a row; one copy, 3 bases deleted.
Protein change: p.Asp121del; deletes aspartic acid 121.
Molecular consequence: inframe deletion.
Genome position (GRCh38, 1-based): chr9:35,685,656-35,685,658, TCA deleted on the plus strand (TGA on the coding strand, the reverse complement: TPM2 is on the minus strand); deleting any 3 consecutive bases within chr9:35,685,656-35,685,661 gives the same sequence; the position shown is the placement nearest the transcript's 3' end. VCF-style (leftmost placement, unchanged base first): chr9-35685655-CTCA-C. GRCh37 (hg19) VCF-style: chr9-35685652-CTCA-C.
Other names: c.363_365delTGA (NM_003289.3); c.360TGA[1], p.Asp121del (NM_001301226.2, NM_001301227.2, NM_213674.1); short protein forms D121del.
Identifiers: ClinVar variation 458722 (VCV000458722.9), dbSNP rs1554658995, ClinGen allele CA658657863.